The following is an entry in ClinVar:

NM_001360.3(DHCR7):c.688G>A (p.Gly230Arg)

Gene: DHCR7 (7-dehydrocholesterol reductase; minus strand). Cytogenetic location: 11q13.4.
Variant type: single nucleotide variant.
Coding change: c.688G>A on transcript NM_001360.3 (MANE Select); coding-DNA position 688, G replaced by A.
Protein change: p.Gly230Arg; replaces glycine 230 with arginine.
Molecular consequence: missense variant.
Genome position (GRCh38, 1-based): chr11:71,439,022, C>T on the plus strand (G>A on the coding strand, the complement: DHCR7 is on the minus strand). VCF-style: chr11-71439022-C-T. GRCh37 (hg19) VCF-style: chr11-71150068-C-T.
Other names: c.688G>A, p.Gly230Arg (NM_001425111.1, NM_001425112.1, NM_001425118.1 and 6 more transcripts); c.628G>A, p.Gly210Arg (NM_001425113.1); c.592G>A, p.Gly198Arg (NM_001425114.1, NM_001425116.1); c.514G>A, p.Gly172Arg (NM_001425117.1); c.739G>A, p.Gly247Arg (NM_001425107.1); c.724G>A, p.Gly242Arg (NM_001425108.1); short protein forms G172R, G198R, G210R, G230R, G242R, G247R.
Identifiers: ClinVar variation 3364164 (VCV003364164.3).
Genomic context (GRCh38, chr11:71,439,022, plus strand): 5'-GGGTCCAGGCGACGATCCCGGGGCGCCCATTGAAGAACAGCTTGAAGTCAAACCACTTCC[C>T]GATCCGAGGGTTAAACTCGATGCCCATCATGTAGTTGTAAAAGAAATTGCCTGTGAATTT-3'
Protein context (NP_001351.2, residues 220-240): MMGIEFNPRI[Gly230Arg]KWFDFKLFFN

ClinVar aggregate classification (germline): Uncertain significance. Review status: criteria provided, multiple submitters, no conflicts (2 of 4 stars). 2 submissions from 2 submitters: Uncertain significance (2). Last evaluated 2026-04-14.

Conditions:
DHCR7-related disorder. Also called: DHCR7-related condition.

gnomAD v4.1: 24 of 1,613,992 alleles (0.0015%); highest among the groups gnomAD compares: Non-Finnish European, 0.0017%; no homozygotes.

Submissions (2):

GeneDx
Classification: Uncertain significance. Last evaluated: 2026-04-14. Review status: criteria provided, single submitter. Criteria: GeneDx Variant Classification Process June 2021. Collection method: clinical testing. Allele origin: germline.
Comment: Not observed at significant frequency in large population cohorts (gnomAD); In silico analysis supports that this missense variant has a deleterious effect on protein structure/function; Has not been previously published as pathogenic or benign to our knowledge

PreventionGenetics, part of Exact Sciences
Classification: Uncertain significance for DHCR7-related condition. Last evaluated: 2025-10-13. Review status: criteria provided, single submitter. Criteria: ACMG Guidelines, 2015. Collection method: clinical testing. Allele origin: germline.
Comment: The DHCR7 c.688G>A variant is predicted to result in the amino acid substitution p.Gly230Arg. To our knowledge, this variant has not been reported in the literature. This variant is reported in 0.0026% of alleles in individuals of European (Non-Finnish) descent in gnomAD. At this time, the clinical significance of this variant is uncertain due to the absence of conclusive functional and genetic evidence.